The following is an entry in ClinVar:

NC_000017.10:g.(?_29685177)_(29686053_?)del

Gene: NF1 (neurofibromin 1; plus strand). Cytogenetic location: 17q11.2.
Variant type: Deletion.
Identifiers: ClinVar variation 1074108 (VCV001074108.3).

ClinVar aggregate classification (germline): Pathogenic (1 of 4 stars; one submission).

Conditions:
Neurofibromatosis, type 1 (NF1). Also called: VON RECKLINGHAUSEN DISEASE; Peripheral type neurofibromatosis; NEUROFIBROMATOSIS, TYPE I, SOMATIC; Neurofibromatosis, type I. Identifiers: Orphanet 636, MedGen C0027831, MONDO:0018975, OMIM 162200. Disease mechanism: loss of function.

Submission:

Labcorp Genetics (formerly Invitae), Labcorp
Classification: Pathogenic for Neurofibromatosis, type 1. Last evaluated: 2020-07-07. Review status: criteria provided, single submitter. Criteria: Invitae Variant Classification Sherloc (09022015). Collection method: clinical testing. Allele origin: germline.
Comment: This variant is an out-of-frame deletion of the genomic region encompassing exon(s) 54-55 of the NF1 gene. This is expected to create a premature translational stop signal and result in an absent or disrupted protein product. This variant has not been reported in the literature in individuals with NF1-related conditions. Loss-of-function variants in NF1 are known to be pathogenic (PMID: 10712197, 23913538). For these reasons, this variant has been classified as Pathogenic.

Literature cited by the submitters: PubMed 10712197; PubMed 23913538.